The following is an entry in ClinVar:

ClinVar aggregate classification (germline): Likely benign (0 of 4 stars; one submission).

Conditions:
CTNND2-related disorder. Also called: CTNND2-related condition.

gnomAD v4.1: 6 of 1,613,942 alleles (0.00037%); highest among the groups gnomAD compares: Non-Finnish European, 0.00051%; no homozygotes.

Submission:

PreventionGenetics, part of Exact Sciences
Classification: Likely benign for CTNND2-related condition. Last evaluated: 2024-09-19. Review status: no assertion criteria provided. Collection method: clinical testing. Allele origin: germline.
Comment: This variant is classified as likely benign based on ACMG/AMP sequence variant interpretation guidelines (Richards et al. 2015 PMID: 25741868, with internal and published modifications).

NM_001332.4(CTNND2):c.3343+7G>A

Gene: CTNND2 (catenin delta 2; minus strand). Cytogenetic location: 5p15.2.
Variant type: single nucleotide variant.
Coding change: c.3343+7G>A on transcript NM_001332.4 (MANE Select); 7 bases into the intron after coding-DNA position 3343, G replaced by A.
Molecular consequence: intron variant.
Genome position (GRCh38, 1-based): chr5:10,988,104, C>T on the plus strand (G>A on the coding strand, the complement: CTNND2 is on the minus strand). VCF-style: chr5-10988104-C-T. GRCh37 (hg19) VCF-style: chr5-10988216-C-T.
Other names: c.2044+7G>A (NM_001288717.2); c.2407+7G>A (NM_001364128.2); c.2332+7G>A (NM_001288716.1); c.3070+7G>A (NM_001288715.1).
Identifiers: ClinVar variation 3357563 (VCV003357563.1).